The following is an entry in ClinVar:

NM_004706.4(ARHGEF1):c.2637G>C (p.Glu879Asp)

Gene: ARHGEF1 (Rho guanine nucleotide exchange factor 1; plus strand). Cytogenetic location: 19q13.2.
Variant type: single nucleotide variant.
Coding change: c.2637G>C on transcript NM_004706.4 (MANE Select); coding-DNA position 2637, G replaced by C.
Protein change: p.Glu879Asp; replaces glutamic acid 879 with aspartic acid.
Molecular consequence: missense variant. On other transcripts: non-coding transcript variant (2), intron variant (4).
Genome position (GRCh38, 1-based): chr19:41,906,602, G>C. VCF-style: chr19-41906602-G-C. GRCh37 (hg19) VCF-style: chr19-42410754-G-C.
Other names: c.2805G>C, p.Glu935Asp (NM_001396000.1); c.2538G>C, p.Glu846Asp (NM_198977.2); c.2682G>C, p.Glu894Asp (NM_199002.2); c.2492-101G>C (NM_001396003.1, NM_001396006.1); c.2393-101G>C (NM_001396002.1, NM_001396004.1); short protein forms E879D, E894D, E846D, E935D.
Identifiers: ClinVar variation 3781512 (VCV003781512.2).

ClinVar aggregate classification (germline): Uncertain significance. Review status: criteria provided, multiple submitters, no conflicts (2 of 4 stars). 2 submissions from 2 submitters: Uncertain significance (2). Last evaluated 2025-04-08.

Submissions (2):

Labcorp Genetics (formerly Invitae), Labcorp
Classification: Uncertain significance. Last evaluated: 2025-04-08. Review status: criteria provided, single submitter. Criteria: Invitae Variant Classification Sherloc (09022015). Collection method: clinical testing. Allele origin: germline.
Comment: This sequence change replaces glutamic acid, which is acidic and polar, with aspartic acid, which is acidic and polar, at codon 894 of the ARHGEF1 protein (p.Glu894Asp). This variant is not present in population databases (gnomAD no frequency). This variant has not been reported in the literature in individuals affected with ARHGEF1-related conditions. An algorithm developed to predict the effect of missense changes on protein structure and function (PolyPhen-2) suggests that this variant is likely to be tolerated. In summary, the available evidence is currently insufficient to determine the role of this variant in disease. Therefore, it has been classified as a Variant of Uncertain Significance.

Ambry Genetics
Classification: Uncertain significance. Last evaluated: 2025-01-22. Review status: criteria provided, single submitter. Criteria: Ambry Variant Classification Scheme 2023. Collection method: clinical testing. Allele origin: germline.